The following is an entry in ClinVar:

ClinVar aggregate classification (germline): Conflicting classifications of pathogenicity. Review status: criteria provided, conflicting classifications (1 of 4 stars). 3 submissions from 3 submitters: Uncertain significance (1); Likely benign (2). Last evaluated 2025-09-07.

Conditions:
Progressive myoclonic epilepsy type 3. Also called: EPILEPSY, PROGRESSIVE MYOCLONIC, 3, WITH OR WITHOUT INTRACELLULAR INCLUSIONS; CEROID LIPOFUSCINOSIS, NEURONAL, 14; EPILEPSY, PROGRESSIVE MYOCLONIC, 3, WITHOUT INTRACELLULAR INCLUSIONS; KCTD7-Related Progressive Myoclonic Epilepsy. Identifiers: Orphanet 263516, MedGen C2673257, MONDO:0012721, OMIM 611726.

Allele frequency attached by ClinVar (database versions not stated): ExAC below 0.00001; gnomAD exomes 0.00001; gnomAD 0.00013 and 0.00016; TOPMed 0.00017.
gnomAD v4.1: 36 of 1,470,118 alleles (0.0024%); highest among the groups gnomAD compares: African/African-American, 0.039%; no homozygotes.

Submissions (3):

Labcorp Genetics (formerly Invitae), Labcorp
Classification: Likely benign for Progressive myoclonic epilepsy type 3. Last evaluated: 2025-09-07. Review status: criteria provided, single submitter. Criteria: Invitae Variant Classification Sherloc (09022015). Collection method: clinical testing. Allele origin: germline.

GeneDx
Classification: Likely benign. Last evaluated: 2015-11-12. Review status: criteria provided, single submitter. Criteria: GeneDx Variant Classification (06012015). Collection method: clinical testing. Allele origin: germline. Affected: yes.
Comment: This variant is considered likely benign or benign based on one or more of the following criteria: it is a conservative change, it occurs at a poorly conserved position in the protein, it is predicted to be benign by multiple in silico algorithms, and/or has population frequency not consistent with disease.

Genetic Services Laboratory, University of Chicago
Classification: Uncertain significance. Last evaluated: 2014-03-31. Review status: criteria provided, single submitter. Criteria: ACMG Guidelines, 2007. Collection method: clinical testing. Allele origin: germline. Inheritance: Autosomal recessive inheritance.

NM_153033.5(KCTD7):c.133C>T (p.Leu45=)

Genes: KCTD7 (potassium channel tetramerization domain containing 7; plus strand), LOC129998533 (ATAC-STARR-seq lymphoblastoid silent region 18210; plus strand). Cytogenetic location: 7q11.21.
Variant type: single nucleotide variant.
Coding change: c.133C>T on transcript NM_153033.5 (MANE Select); coding-DNA position 133, C replaced by T.
Protein change: p.Leu45=; no amino-acid change (leucine 45 retained).
Molecular consequence: synonymous variant.
Genome position (GRCh38, 1-based): chr7:66,629,197, C>T. VCF-style: chr7-66629197-C-T. GRCh37 (hg19) VCF-style: chr7-66094184-C-T.
Other names: c.133C>T, p.Leu45= (NM_001167961.2).
Identifiers: ClinVar variation 129369 (VCV000129369.16), dbSNP rs587780370, ClinGen allele CA231210.